The following is an entry in ClinVar:

NM_002291.3(LAMB1):c.3011C>T (p.Thr1004Met)

Gene: LAMB1 (laminin subunit beta 1; minus strand). Cytogenetic location: 7q31.1.
Variant type: single nucleotide variant.
Coding change: c.3011C>T on transcript NM_002291.3 (MANE Select); coding-DNA position 3011, C replaced by T.
Protein change: p.Thr1004Met; replaces threonine 1004 with methionine.
Molecular consequence: missense variant.
Genome position (GRCh38, 1-based): chr7:107,953,598, G>A on the plus strand (C>T on the coding strand, the complement: LAMB1 is on the minus strand). VCF-style: chr7-107953598-G-A. GRCh37 (hg19) VCF-style: chr7-107594043-G-A.
Other names: short protein forms T1004M.
Identifiers: ClinVar variation 1193951 (VCV001193951.4), dbSNP rs780437284, ClinGen allele CA4435463.

ClinVar aggregate classification (germline): Uncertain significance. Review status: criteria provided, multiple submitters, no conflicts (2 of 4 stars). 2 submissions from 2 submitters: Uncertain significance (2). Last evaluated 2024-12-24.

Allele frequency attached by ClinVar (database versions not stated): gnomAD 0.00001; TOPMed 0.00002; ExAC 0.00005; gnomAD exomes 0.00005.
gnomAD v4.1: 22 of 1,614,016 alleles (0.0014%); highest among the groups gnomAD compares: Admixed American, 0.015%; no homozygotes.

Submissions (2):

Labcorp Genetics (formerly Invitae), Labcorp
Classification: Uncertain significance. Last evaluated: 2024-12-24. Review status: criteria provided, single submitter. Criteria: Invitae Variant Classification Sherloc (09022015). Collection method: clinical testing. Allele origin: germline.
Comment: This sequence change replaces threonine, which is neutral and polar, with methionine, which is neutral and non-polar, at codon 1004 of the LAMB1 protein (p.Thr1004Met). This variant is present in population databases (rs780437284, gnomAD 0.03%). This variant has not been reported in the literature in individuals affected with LAMB1-related conditions. ClinVar contains an entry for this variant (Variation ID: 1193951). An algorithm developed to predict the effect of missense changes on protein structure and function (PolyPhen-2) suggests that this variant is likely to be disruptive. In summary, the available evidence is currently insufficient to determine the role of this variant in disease. Therefore, it has been classified as a Variant of Uncertain Significance.

GeneDx
Classification: Uncertain significance. Last evaluated: 2021-04-02. Review status: criteria provided, single submitter. Criteria: GeneDx Variant Classification Process June 2021. Collection method: clinical testing. Allele origin: germline. Affected: yes.
Comment: In silico analysis supports that this missense variant has a deleterious effect on protein structure/function; Has not been previously published as pathogenic or benign to our knowledge